The following is an entry in ClinVar:

NM_020971.3(SPTBN4):c.3394C>T (p.His1132Tyr)

Gene: SPTBN4 (spectrin beta, non-erythrocytic 4; plus strand). Cytogenetic location: 19q13.2.
Variant type: single nucleotide variant.
Coding change: c.3394C>T on transcript NM_020971.3 (MANE Select); coding-DNA position 3394, C replaced by T.
Protein change: p.His1132Tyr; replaces histidine 1132 with tyrosine.
Molecular consequence: missense variant.
Genome position (GRCh38, 1-based): chr19:40,519,891, C>T. VCF-style: chr19-40519891-C-T. GRCh37 (hg19) VCF-style: chr19-41025798-C-T.
Other names: short protein forms H1132Y.
Identifiers: ClinVar variation 5017889 (VCV005017889.1).

ClinVar aggregate classification (germline): Uncertain significance (1 of 4 stars; one submission).

gnomAD v4.1: 9 of 1,520,796 alleles (0.00059%); highest among the groups gnomAD compares: Non-Finnish European, 0.00079%; 1 homozygote.

Submission:

GeneDx
Classification: Uncertain significance. Last evaluated: 2026-03-31. Review status: criteria provided, single submitter. Criteria: GeneDx Variant Classification Process June 2021. Collection method: clinical testing. Allele origin: germline.
Comment: Not observed at significant frequency in large population cohorts (gnomAD); In silico analysis supports that this missense variant has a deleterious effect on protein structure/function; Has not been previously published as pathogenic or benign to our knowledge